The following is an entry in ClinVar:

NM_016222.4(DDX41):c.1474dup (p.Ala492fs)

Gene: DDX41 (DEAD-box helicase 41; minus strand). Cytogenetic location: 5q35.3.
Variant type: Duplication.
Coding change: c.1474dup on transcript NM_016222.4 (MANE Select); coding-DNA position 1474, one base duplicated (G; older notation c.1474dupG).
Protein change: p.Ala492fs; shifts the reading frame from alanine 492.
Molecular consequence: frameshift variant.
Genome position (GRCh38, 1-based): chr5:177,512,571, C duplicated on the plus strand (G on the coding strand, the reverse complement: DDX41 is on the minus strand). VCF-style (leftmost placement, unchanged base first): chr5-177512570-G-GC. GRCh37 (hg19) VCF-style: chr5-176939571-G-GC.
Other names: c.1096dup, p.Ala366fs (NM_001321732.2, NM_001321830.2); short protein forms A366fs, A492fs.
Identifiers: ClinVar variation 1338493 (VCV001338493.4), dbSNP rs1188549864, ClinGen allele CA564900518.

ClinVar aggregate classification (germline): Likely pathogenic (1 of 4 stars; one submission).

Allele frequency attached by ClinVar (database versions not stated): gnomAD exomes below 0.00001.

Submission:

Genetic Services Laboratory, University of Chicago
Classification: Likely pathogenic. Last evaluated: 2019-03-18. Review status: criteria provided, single submitter. Criteria: ACMG Guidelines, 2015. Collection method: clinical testing. Allele origin: germline. Affected: yes.
Comment: DNA sequence analysis of the DDX41 gene demonstrated a single base pair duplication in exon 14, c.1474dup. This sequence change results in an amino acid frameshift and creates a premature stop codon 16 amino acids downstream of the mutation, p.Ala492Glyfs*17. This sequence change is predicted to result in an abnormal transcript, which may be degraded, or may lead to the production of a truncated DDX41 protein with potentially abnormal function. Other, more proximal truncating variants have been identified in patients with DDX41-related hematologic malignancy predisposition (PMIDs: 25920683, 26712909). The p.Ala492Glyfs*17 change is present in the heterozygous state in a one individual in the gnomAD population database.